The following is an entry in ClinVar:

ClinVar aggregate classification (germline): Benign/Likely benign. Review status: criteria provided, multiple submitters, no conflicts (2 of 4 stars). 3 submissions from 3 submitters: Benign (1); Likely benign (2). Last evaluated 2026-01-22.

Conditions:
Hereditary cancer-predisposing syndrome. Also called: Tumor predisposition; Neoplastic Syndromes, Hereditary; Hereditary Cancer Syndrome; Hereditary neoplastic syndrome. Identifiers: Orphanet 140162, MedGen C0027672, MeSH D009386, MONDO:0015356.
Pheochromocytoma/paraganglioma syndrome 5. Also called: Paragangliomas 5; SDHA-Related Hereditary Paraganglioma-Pheochromocytoma Syndrome. Identifiers: Orphanet 29072, MedGen C3279992, MONDO:0013602, OMIM 614165.
Mitochondrial complex II deficiency, nuclear type 1. Also called: SUCCINATE CoQ REDUCTASE DEFICIENCY. Identifiers: Orphanet 3208, MedGen C5700310, MONDO:0100294, OMIM 252011.

Allele frequency attached by ClinVar (database versions not stated): gnomAD 0.00001; TOPMed 0.00002; 1000 Genomes Project 30x 0.00016; 1000 Genomes Project 0.00020.
gnomAD v4.1: 8 of 1,614,008 alleles (0.0005%); highest among the groups gnomAD compares: African/African-American, 0.0013%; no homozygotes.

Submissions (3):

Labcorp Genetics (formerly Invitae), Labcorp
Classification: Likely benign for Pheochromocytoma/paraganglioma syndrome 5; Mitochondrial complex II deficiency, nuclear type 1. Last evaluated: 2026-01-22. Review status: criteria provided, single submitter. Criteria: Invitae Variant Classification Sherloc (09022015). Collection method: clinical testing. Allele origin: germline.

Myriad Genetics, Inc.
Classification: Benign for Pheochromocytoma/paraganglioma syndrome 5. Last evaluated: 2025-03-03. Review status: criteria provided, single submitter. Criteria: Myriad Autosomal Dominant, Autosomal Recessive and X-Linked Classification Criteria (2023). Collection method: clinical testing. Allele origin: unknown.
Comment: This variant is considered benign. This variant is a silent/synonymous amino acid change and it is not expected to impact splicing.

Ambry Genetics
Classification: Likely benign for Hereditary cancer-predisposing syndrome. Last evaluated: 2021-03-30. Review status: criteria provided, single submitter. Criteria: Ambry Variant Classification Scheme 2023. Collection method: clinical testing. Allele origin: germline.

NM_004168.4(SDHA):c.852C>A (p.Gly284=)

Gene: SDHA (succinate dehydrogenase complex flavoprotein subunit A; plus strand). Cytogenetic location: 5p15.33.
Variant type: single nucleotide variant.
Coding change: c.852C>A on transcript NM_004168.4 (MANE Select); coding-DNA position 852, C replaced by A.
Protein change: p.Gly284=; no amino-acid change (glycine 284 retained).
Molecular consequence: synonymous variant.
Genome position (GRCh38, 1-based): chr5:230,957, C>A. VCF-style: chr5-230957-C-A. GRCh37 (hg19) VCF-style: chr5-231072-C-A.
Other names: c.708C>A, p.Gly236= (NM_001294332.2); c.852C>A, p.Gly284= (NM_001330758.2).
Identifiers: ClinVar variation 703047 (VCV000703047.62), dbSNP rs552108762, ClinGen allele CA112822554.